The following is an entry in ClinVar:

NM_002471.4(MYH6):c.655G>A (p.Asp219Asn)

Gene: MYH6 (myosin heavy chain 6; minus strand). Cytogenetic location: 14q11.2.
Variant type: single nucleotide variant.
Coding change: c.655G>A on transcript NM_002471.4 (MANE Select); coding-DNA position 655, G replaced by A.
Protein change: p.Asp219Asn; replaces aspartic acid 219 with asparagine.
Molecular consequence: missense variant.
Genome position (GRCh38, 1-based): chr14:23,404,376, C>T on the plus strand (G>A on the coding strand, the complement: MYH6 is on the minus strand). VCF-style: chr14-23404376-C-T. GRCh37 (hg19) VCF-style: chr14-23873585-C-T.
Other names: short protein forms D219N.
Identifiers: ClinVar variation 3370264 (VCV003370264.1).

ClinVar aggregate classification (germline): Uncertain significance (1 of 4 stars; one submission).

Submission:

GeneDx
Classification: Uncertain significance. Last evaluated: 2023-12-28. Review status: criteria provided, single submitter. Criteria: GeneDx Variant Classification Process June 2021. Collection method: clinical testing. Allele origin: germline. Affected: yes.
Comment: Not observed at significant frequency in large population cohorts (gnomAD); In silico analysis supports that this missense variant has a deleterious effect on protein structure/function; Has not been previously published as pathogenic or benign to our knowledge